The following is an entry in ClinVar:

ClinVar aggregate classification (germline): Uncertain significance. Review status: criteria provided, multiple submitters, no conflicts (2 of 4 stars). 3 submissions from 3 submitters: Uncertain significance (3). Last evaluated 2025-03-20.

Allele frequency attached by ClinVar (database versions not stated): gnomAD 0.00004 and 0.00001; gnomAD exomes 0.00004; ExAC 0.00005; ESP Exome Variant Server 0.00008; TOPMed 0.00003.
gnomAD v4.1: 93 of 1,611,342 alleles (0.0058%); highest among the groups gnomAD compares: Middle Eastern, 0.066%; 1 homozygote.

Submissions (3):

Labcorp Genetics (formerly Invitae), Labcorp
Classification: Uncertain significance. Last evaluated: 2025-03-20. Review status: criteria provided, single submitter. Criteria: Invitae Variant Classification Sherloc (09022015). Collection method: clinical testing. Allele origin: germline.
Comment: This sequence change replaces arginine, which is basic and polar, with histidine, which is basic and polar, at codon 2057 of the TRIOBP protein (p.Arg2057His). This variant is present in population databases (rs377068258, gnomAD 0.006%). This variant has not been reported in the literature in individuals affected with TRIOBP-related conditions. ClinVar contains an entry for this variant (Variation ID: 229364). An algorithm developed to predict the effect of missense changes on protein structure and function outputs the following: PolyPhen-2: "Probably Damaging". The histidine amino acid residue is found in multiple mammalian species, which suggests that this missense change does not adversely affect protein function. In summary, the available evidence is currently insufficient to determine the role of this variant in disease. Therefore, it has been classified as a Variant of Uncertain Significance.

Laboratory for Molecular Medicine, Mass General Brigham Personalized Medicine
Classification: Uncertain significance. Last evaluated: 2015-10-01. Review status: criteria provided, single submitter. Criteria: LMM Criteria. Collection method: clinical testing. Allele origin: germline. Observed: 1 variant allele.
Comment: Variant classified as Uncertain Significance - Favor Benign. The p.Arg2057His va riant in TRIOBP has not been previously reported in individuals with hearing los s, but has been identified in 5/62222 of European chromosomes by the Exome Aggre gation Consortium (ExAC; dbSNP rs377068258). Alt hough this variant has been seen in the general population, its frequency is not high enough to rule out a pathogenic role. Computational prediction tools and c onservation analyses suggest that the p.Arg2057His variant may not impact the pr otein, and two mammals (opossum and platypus) have a histidine (His) at this pos ition suggesting that this variant may be tolerated. However, this information i s not predictive enough to rule out pathogenicity. In summary, while the clinica l significance of the p.Arg2057His variant is uncertain, the conservation and co mputational data suggest that it is more likely to be benign.

Breakthrough Genomics
Classification: Uncertain significance. Review status: criteria provided, single submitter. Criteria: ACMG Guidelines, 2015. Collection method: not provided. Allele origin: germline. Inheritance: Autosomal dominant inheritance. Affected: yes.

NM_001039141.3(TRIOBP):c.6170G>A (p.Arg2057His)

Gene: TRIOBP (TRIO and F-actin binding protein; plus strand). Cytogenetic location: 22q13.1.
Variant type: single nucleotide variant.
Coding change: c.6170G>A on transcript NM_001039141.3 (MANE Select); coding-DNA position 6170, G replaced by A.
Protein change: p.Arg2057His; replaces arginine 2057 with histidine.
Molecular consequence: missense variant.
Genome position (GRCh38, 1-based): chr22:37,758,095, G>A. VCF-style: chr22-37758095-G-A. GRCh37 (hg19) VCF-style: chr22-38154102-G-A.
Other names: c.1031G>A, p.Arg344His (NM_007032.5, NM_138632.2); short protein forms R2057H, R344H.
Identifiers: ClinVar variation 229364 (VCV000229364.7), dbSNP rs377068258, ClinGen allele CA10224890.
Genomic context (GRCh38, chr22:37,758,095, plus strand): 5'-CCCTGCGGGAGAATAAGCGGGTGCCCCTCACTGCCCTGCTCAACCAAAGCCGCGGAGAGC[G>A]CCGAGGGCCCCCAAGTGACGGCCACGAGGCACTGGAGAAGGAGGTAGGCACCACGGCTGG-3'
Protein context (NP_001034230.1, residues 2047-2067): TALLNQSRGE[Arg2057His]RGPPSDGHEA